The following is an entry in ClinVar:

NM_001278716.2(FBXL4):c.662A>T (p.Asp221Val)

Gene: FBXL4 (F-box and leucine rich repeat protein 4; minus strand). Cytogenetic location: 6q16.2.
Variant type: single nucleotide variant.
Coding change: c.662A>T on transcript NM_001278716.2 (MANE Select); coding-DNA position 662, A replaced by T.
Protein change: p.Asp221Val; replaces aspartic acid 221 with valine.
Molecular consequence: missense variant.
Genome position (GRCh38, 1-based): chr6:98,917,570, T>A on the plus strand (A>T on the coding strand, the complement: FBXL4 is on the minus strand). VCF-style: chr6-98917570-T-A. GRCh37 (hg19) VCF-style: chr6-99365446-T-A.
Other names: c.662A>T, p.Asp221Val (NM_012160.5); short protein forms D221V.
Identifiers: ClinVar variation 437473 (VCV000437473.2), dbSNP rs1554221189, ClinGen allele CA16021016.
Genomic context (GRCh38, chr6:98,917,570, plus strand): 5'-ATAAGTGAAGTCTTGAGAGAAAGCACTGGCTTGTCCTTCACACCATGTAGCACAACTGCA[T>A]CTAATTCAGTGTAATATTCCAGAAGAGAACTATTTACTTCCAGTCGTATAAGATTTGTGG-3'
Protein context (NP_001265645.1, residues 211-231): SSLLEYYTEL[Asp221Val]AVVLHGVKDK

ClinVar aggregate classification (germline): Conflicting classifications of pathogenicity. Review status: criteria provided, conflicting classifications (1 of 4 stars). 2 submissions from 2 submitters: Likely pathogenic (1); Uncertain significance (1). Last evaluated 2026-03-20.

Conditions:
Mitochondrial DNA depletion syndrome 13. Also called: FBXL4-Related Encephalomyopathic Mitochondrial DNA Depletion Syndrome; Mitochondrial DNA depletion syndrome 13 (encephalomyopathic type). Identifiers: Orphanet 369897, MedGen C3809592, MONDO:0014198, OMIM 615471.

Allele frequency attached by ClinVar (database versions not stated): gnomAD exomes 0.00001.

Submissions (2):

Women's Health and Genetics/Laboratory Corporation of America, LabCorp
Classification: Uncertain significance. Last evaluated: 2026-03-20. Review status: criteria provided, single submitter. Criteria: LabCorp Variant Classification Summary - May 2015. Collection method: clinical testing. Allele origin: germline.
Comment: Variant summary: FBXL4 c.662A>T (p.Asp221Val) results in a non-conservative amino acid change in the encoded protein sequence. Algorithms developed to predict the effect of missense changes on protein structure and function are either unavailable or do not agree on the potential impact of this missense change. The variant was absent in 251258 control chromosomes. These data indicate that the variant may be associated with disease. To our knowledge, no experimental evidence demonstrating an impact on protein function has been reported. The following publication have been ascertained in the context of this evaluation (PMID: 25868664). ClinVar contains an entry for this variant (Variation ID: 437473). Based on the evidence outlined above, the variant was classified as VUS-possibly pathogenic.

Wong Mito Lab, Molecular and Human Genetics, Baylor College of Medicine
Classification: Likely pathogenic for Mitochondrial DNA depletion syndrome 13. Last evaluated: 2017-08-10. Review status: criteria provided, single submitter. Criteria: ACMG Guidelines, 2015. Collection method: clinical testing. Allele origin: germline. Affected: yes.
Comment: The NM_012160.4:c.662A>T (NP_036292.2:p.Asp221Val) [GRCH38: NC_000006.12:g.98917570T>A] variant in FBXL4 gene is interpretated to be a Likely Pathogenic based on ACMG guidelines (PMID: 25741868). This variant has been reported in PMID:25868664 . This variant meets one or more of the following evidence codes reported in the ACMG-guideline. PM2:This variant is absent in key population databases. PM3:Detected in trans with a pathogenic variant for Mitochondrial DNA depletion syndrome 13 which is a recessive disorder. PP2:This is a missense variant in FBXL4 with a low rate of benign and high rate of pathogenic missense variations. PP4:Patientâ€™s phenotype or family history is highly specific for FBXL4. PP5:Reputable source(s) suggest that the variant is pathogenic. Based on this evidence code ClinGen Pathogenicity Calculator (PMID:28081714) suggested that the variant is Likely Pathogenic.

Literature cited by the submitters: PubMed 25868664 (cited by Women's Health and Genetics/Laboratory Corporation of America, LabCorp and Wong Mito Lab, Molecular and Human Genetics, Baylor College of Medicine).